The following is an entry in ClinVar:

NM_001277115.2(DNAH11):c.6303T>A (p.Asn2101Lys)

Gene: DNAH11 (dynein axonemal heavy chain 11; plus strand). Cytogenetic location: 7p15.3.
Variant type: single nucleotide variant.
Coding change: c.6303T>A on transcript NM_001277115.2 (MANE Select); coding-DNA position 6303, T replaced by A.
Protein change: p.Asn2101Lys; replaces asparagine 2101 with lysine.
Molecular consequence: missense variant.
Genome position (GRCh38, 1-based): chr7:21,704,463, T>A. VCF-style: chr7-21704463-T-A. GRCh37 (hg19) VCF-style: chr7-21744081-T-A.
Other names: c.6303T>A (NM_001277115.1); c.6324T>A, p.Asn2108Lys (NM_003777.3); short protein forms N2101K, N2108K.
Identifiers: ClinVar variation 2163388 (VCV002163388.5), dbSNP rs367634158, ClinGen allele CA4180778.

ClinVar aggregate classification (germline): Conflicting classifications of pathogenicity. Review status: criteria provided, conflicting classifications (1 of 4 stars). 2 submissions from 2 submitters: Uncertain significance (1); Likely benign (1). Last evaluated 2026-07-21.

Conditions:
Primary ciliary dyskinesia. Also called: Ciliary dyskinesia. Identifiers: Orphanet 244, MedGen C0008780, MONDO:0016575, HP:0012265.

Allele frequency attached by ClinVar (database versions not stated): ExAC 0.00002; ESP Exome Variant Server 0.00008; gnomAD 0.00001.
gnomAD v4.1: 23 of 1,613,572 alleles (0.0014%); highest among the groups gnomAD compares: Non-Finnish European, 0.0019%; no homozygotes.

Submissions (2):

Ambry Genetics
Classification: Uncertain significance for Primary ciliary dyskinesia. Last evaluated: 2026-07-21. Review status: criteria provided, single submitter. Criteria: Ambry Variant Classification Scheme 2023. Collection method: clinical testing. Allele origin: germline.
Comment: The p.N2101K variant (also known as c.6303T>A), located in coding exon 38 of the DNAH11 gene, results from a T to A substitution at nucleotide position 6303. The asparagine at codon 2101 is replaced by lysine, an amino acid with similar properties. This amino acid position is conserved. In addition, this alteration is predicted to be tolerated by in silico analysis. Based on the available evidence, the clinical significance of this variant remains unclear.

Labcorp Genetics (formerly Invitae), Labcorp
Classification: Likely benign for Primary ciliary dyskinesia. Last evaluated: 2023-10-24. Review status: criteria provided, single submitter. Criteria: Invitae Variant Classification Sherloc (09022015). Collection method: clinical testing. Allele origin: germline.